The following is an entry in ClinVar:

NM_001330700.2(TOP2B):c.2501T>C (p.Leu834Ser)

Gene: TOP2B (DNA topoisomerase II beta; minus strand). Cytogenetic location: 3p24.2.
Variant type: single nucleotide variant.
Coding change: c.2501T>C on transcript NM_001330700.2 (MANE Select); coding-DNA position 2501, T replaced by C.
Protein change: p.Leu834Ser; replaces leucine 834 with serine.
Molecular consequence: missense variant.
Genome position (GRCh38, 1-based): chr3:25,623,741, A>G on the plus strand (T>C on the coding strand, the complement: TOP2B is on the minus strand). VCF-style: chr3-25623741-A-G. GRCh37 (hg19) VCF-style: chr3-25665232-A-G.
Other names: c.2486T>C, p.Leu829Ser (NM_001068.3); short protein forms L834S, L829S.
Identifiers: ClinVar variation 4771960 (VCV004771960.1).

ClinVar aggregate classification (germline): Uncertain significance (1 of 4 stars; one submission).

gnomAD v4.1: 4 of 1,607,514 alleles (0.00025%); highest among the groups gnomAD compares: Non-Finnish European, 0.00034%; no homozygotes.

Submission:

Labcorp Genetics (formerly Invitae), Labcorp
Classification: Uncertain significance. Last evaluated: 2025-03-07. Review status: criteria provided, single submitter. Criteria: Invitae Variant Classification Sherloc (09022015). Collection method: clinical testing. Allele origin: germline.
Comment: This sequence change replaces leucine, which is neutral and non-polar, with serine, which is neutral and polar, at codon 829 of the TOP2B protein (p.Leu829Ser). This variant is present in population databases (rs769739428, gnomAD 0.0009%). This variant has not been reported in the literature in individuals affected with TOP2B-related conditions. An algorithm developed to predict the effect of missense changes on protein structure and function (PolyPhen-2) suggests that this variant is likely to be disruptive. In summary, the available evidence is currently insufficient to determine the role of this variant in disease. Therefore, it has been classified as a Variant of Uncertain Significance.